The following is an entry in ClinVar:

ClinVar aggregate classification (germline): Pathogenic. Review status: criteria provided, multiple submitters, no conflicts (2 of 4 stars). 2 submissions from 2 submitters: Pathogenic (2). Last evaluated 2020-11-11.

Conditions:
Pyruvate dehydrogenase E1-alpha deficiency (PDHAD). Also called: ATAXIA, INTERMITTENT, WITH PYRUVATE DEHYDROGENASE DEFICIENCY; ATAXIA WITH LACTIC ACIDOSIS I; ATAXIA, INTERMITTENT, WITH ABNORMAL PYRUVATE METABOLISM; Ataxia, intermittent, with pyruvate dehydrogenase, or decarboxylase, deficiency. Identifiers: Orphanet 79243, MedGen C1839413, MONDO:0010717, OMIM 312170.

Submissions (2):

Daryl Scott Lab, Baylor College of Medicine
Classification: Pathogenic for Pyruvate dehydrogenase E1-alpha deficiency. Last evaluated: 2020-11-11. Review status: criteria provided, single submitter. Criteria: ACMG Guidelines, 2015. Collection method: clinical testing. Allele origin: de novo. Affected: yes. Observed: 1 variant allele.

Baylor Genetics
Classification: Pathogenic for Pyruvate dehydrogenase E1-alpha deficiency. Last evaluated: 2018-12-15. Review status: criteria provided, single submitter. Criteria: ACMG Guidelines, 2015. Collection method: clinical testing. Allele origin: unknown. Affected: yes.
Comment: This variant was determined to be pathogenic according to ACMG Guidelines, 2015 [PMID:25741868].

Literature cited by the submitters: PubMed 33461977 (cited by Daryl Scott Lab, Baylor College of Medicine).

NM_000284.4(PDHA1):c.1035_1036dup (p.Ile346fs)

Gene: PDHA1 (pyruvate dehydrogenase E1 subunit alpha 1; plus strand). Cytogenetic location: Xp22.12.
Variant type: Microsatellite.
Coding change: c.1035_1036dup on transcript NM_000284.4 (MANE Select); coding-DNA positions 1035 to 1036, 2 bases duplicated (GA; older notation c.1035_1036dupGA).
Protein change: p.Ile346fs; shifts the reading frame from isoleucine 346.
Molecular consequence: frameshift variant.
Genome position (GRCh38, 1-based): chrX:19,359,515-19,359,516, GA duplicated; duplicating any 2 consecutive bases within chrX:19,359,513-19,359,516 gives the same sequence; the c. name uses the placement nearest the transcript's 3' end. VCF-style (leftmost placement, unchanged base first): chrX-19359512-G-GGA. GRCh37 (hg19) VCF-style: chrX-19377630-G-GGA.
Other names: c.1149_1150dup, p.Ile384fs (NM_001173454.2); c.1056_1057dup, p.Ile353fs (NM_001173455.2); c.942_943dup, p.Ile315fs (NM_001173456.2); c.1035_1036dupGA (NM_000284.4); short protein forms I315fs, I346fs, I353fs, I384fs.
Identifiers: ClinVar variation 987896 (VCV000987896.2), dbSNP rs2063245185, ClinGen allele CA2418225569.